The following is an entry in ClinVar:

ClinVar aggregate classification (germline): Uncertain significance (1 of 4 stars; one submission).

Conditions:
Intellectual developmental disorder, autosomal dominant 39. Also called: Intellectual disability, autosomal dominant 39; Mental retardation, autosomal dominant 39. Identifiers: MedGen C4225296, MONDO:0014678, OMIM 616521.

Allele frequency attached by ClinVar (database versions not stated): gnomAD exomes below 0.00001; gnomAD 0.00001.
gnomAD v4.1: 7 of 1,539,254 alleles (0.00045%); highest among the groups gnomAD compares: Middle Eastern, 0.017%; no homozygotes.

Submission:

Neuberg Centre For Genomic Medicine, NCGM
Classification: Uncertain significance for Intellectual developmental disorder, autosomal dominant 39. Review status: criteria provided, single submitter. Criteria: ACMG Guidelines, 2015. Collection method: clinical testing. Allele origin: germline. Inheritance: Autosomal dominant inheritance. Affected: yes.
Comment: The observed missense c.338A>T(p.Asp113Val) variant in gene has not been reported previously as a pathogenic variant nor as a benign variant, to our knowledge. The p.Asp113Val variant has been reported with allele frequency of 0.0006% in gnomAD Exomes. This variant has not been submitted to the ClinVar database. The amino acid change p.Asp113Val in MYT1L is predicted as conserved by GERP++ and PhyloP across 100 vertebrates. The amino acid Asp at position 113 is changed to a Val changing protein sequence and it might alter its composition and physico-chemical properties. For these reasons, this variant has been classified as Variant of Uncertain Significance (VUS).

NM_001303052.2(MYT1L):c.338A>T (p.Asp113Val)

Gene: MYT1L (myelin transcription factor 1 like; minus strand). Cytogenetic location: 2p25.3.
Variant type: single nucleotide variant.
Coding change: c.338A>T on transcript NM_001303052.2 (MANE Select); coding-DNA position 338, A replaced by T.
Protein change: p.Asp113Val; replaces aspartic acid 113 with valine.
Molecular consequence: missense variant.
Genome position (GRCh38, 1-based): chr2:1,943,149, T>A on the plus strand (A>T on the coding strand, the complement: MYT1L is on the minus strand). VCF-style: chr2-1943149-T-A. GRCh37 (hg19) VCF-style: chr2-1946921-T-A.
Other names: c.338A>T, p.Asp113Val (NM_001329844.2, NM_001329845.1, NM_001329846.3 and 6 more transcripts); short protein forms D113V.
Identifiers: ClinVar variation 3242180 (VCV003242180.1), dbSNP rs1369809540.